The following is an entry in ClinVar:

NM_012073.5(CCT5):c.548G>A (p.Arg183Gln)

Gene: CCT5 (chaperonin containing TCP1 subunit 5; plus strand). Cytogenetic location: 5p15.2.
Variant type: single nucleotide variant.
Coding change: c.548G>A on transcript NM_012073.5 (MANE Select); coding-DNA position 548, G replaced by A.
Protein change: p.Arg183Gln; replaces arginine 183 with glutamine.
Molecular consequence: missense variant.
Genome position (GRCh38, 1-based): chr5:10,258,128, G>A. VCF-style: chr5-10258128-G-A. GRCh37 (hg19) VCF-style: chr5-10258240-G-A.
Other names: c.485G>A, p.Arg162Gln (NM_001306153.1); c.383G>A, p.Arg128Gln (NM_001306154.2); c.269G>A, p.Arg90Gln (NM_001306155.2); c.434G>A, p.Arg145Gln (NM_001306156.2); short protein forms R145Q, R162Q, R90Q, R128Q, R183Q.
Identifiers: ClinVar variation 1363311 (VCV001363311.8), dbSNP rs772711272, ClinGen allele CA3198126.

ClinVar aggregate classification (germline): Uncertain significance (1 of 4 stars; one submission).

Conditions:
Hereditary sensory and autonomic neuropathy with spastic paraplegia (HSNSP). Identifiers: Orphanet 139578, MedGen C1850395, MONDO:0009748, OMIM 256840.

Allele frequency attached by ClinVar (database versions not stated): gnomAD 0.00001; ExAC 0.00002; gnomAD exomes 0.00002; TOPMed 0.00003.
gnomAD v4.1: 14 of 1,614,080 alleles (0.00087%); highest among the groups gnomAD compares: African/African-American, 0.0053%; no homozygotes.

Submission:

Labcorp Genetics (formerly Invitae), Labcorp
Classification: Uncertain significance for Hereditary sensory and autonomic neuropathy with spastic paraplegia. Last evaluated: 2022-11-15. Review status: criteria provided, single submitter. Criteria: Invitae Variant Classification Sherloc (09022015). Collection method: clinical testing. Allele origin: germline.
Comment: ClinVar contains an entry for this variant (Variation ID: 1363311). This variant has not been reported in the literature in individuals affected with CCT5-related conditions. This variant is present in population databases (rs772711272, gnomAD 0.007%). This sequence change replaces arginine, which is basic and polar, with glutamine, which is neutral and polar, at codon 183 of the CCT5 protein (p.Arg183Gln). In summary, the available evidence is currently insufficient to determine the role of this variant in disease. Therefore, it has been classified as a Variant of Uncertain Significance. Advanced modeling of protein sequence and biophysical properties (such as structural, functional, and spatial information, amino acid conservation, physicochemical variation, residue mobility, and thermodynamic stability) performed at Invitae indicates that this missense variant is not expected to disrupt CCT5 protein function.